The following is an entry in ClinVar:

NM_000187.4(HGD):c.674G>A (p.Arg225His)

Gene: HGD (homogentisate 1,2-dioxygenase; minus strand). Cytogenetic location: 3q13.33.
Variant type: single nucleotide variant.
Coding change: c.674G>A on transcript NM_000187.4 (MANE Select); coding-DNA position 674, G replaced by A.
Protein change: p.Arg225His; replaces arginine 225 with histidine.
Molecular consequence: missense variant.
Genome position (GRCh38, 1-based): chr3:120,644,419, C>T on the plus strand (G>A on the coding strand, the complement: HGD is on the minus strand). VCF-style: chr3-120644419-C-T. GRCh37 (hg19) VCF-style: chr3-120363266-C-T.
Other names: short protein forms R225H.
Identifiers: ClinVar variation 189173 (VCV000189173.13), dbSNP rs562853291, ClinGen allele CA277989.

ClinVar aggregate classification (germline): Pathogenic/Likely pathogenic. Review status: criteria provided, multiple submitters, no conflicts (2 of 4 stars). 6 submissions from 6 submitters: Pathogenic (3); Likely pathogenic (1). 2 of the submissions do not count toward it. Last evaluated 2024-05-21.

Conditions:
HGD-related disorders.
Alkaptonuria (AKU). Also called: Homogentisic acidura; Alkaptonuric ochronosis; HOMOGENTISIC ACID OXIDASE DEFICIENCY; Alcaptonuria. Identifiers: Orphanet 56, MedGen C0002066, MONDO:0008753, OMIM 203500.

Allele frequency attached by ClinVar (database versions not stated): gnomAD 0.00001.
gnomAD v4.1: 12 of 1,613,972 alleles (0.00074%); highest among the groups gnomAD compares: Admixed American, 0.0017%; no homozygotes.

Submissions (6):

Fulgent Genetics
Classification: Pathogenic for Alkaptonuria. Last evaluated: 2024-05-21. Review status: criteria provided, single submitter. Criteria: ACMG Guidelines, 2015. Collection method: clinical testing. Allele origin: germline.

Institute of Immunology and Genetics Kaiserslautern
Classification: Pathogenic for Alkaptonuria. Last evaluated: 2022-08-03. Review status: criteria provided, single submitter. Criteria: ACMG Guidelines, 2015. Collection method: clinical testing. Allele origin: biparental.
Comment: ACMG Criteria: PS3, PS4_M, PM2, PM3, PM5, PP1, PP3, PP5; Variant was found in homozygous state.

Labcorp Genetics (formerly Invitae), Labcorp
Classification: Pathogenic for Alkaptonuria. Last evaluated: 2022-04-12. Review status: criteria provided, single submitter. Criteria: Invitae Variant Classification Sherloc (09022015). Collection method: clinical testing. Allele origin: germline.
Comment: This missense change has been observed in individual(s) with alkaptonuria (PMID: 12872836). This sequence change replaces arginine, which is basic and polar, with histidine, which is basic and polar, at codon 225 of the HGD protein (p.Arg225His). This variant is present in population databases (rs562853291, gnomAD 0.007%). ClinVar contains an entry for this variant (Variation ID: 189173). Advanced modeling of protein sequence and biophysical properties (such as structural, functional, and spatial information, amino acid conservation, physicochemical variation, residue mobility, and thermodynamic stability) performed at Invitae indicates that this missense variant is expected to disrupt HGD protein function. This variant disrupts the p.Arg225 amino acid residue in HGD. Other variant(s) that disrupt this residue have been determined to be pathogenic (Invitae). This suggests that this residue is clinically significant, and that variants that disrupt this residue are likely to be disease-causing. For these reasons, this variant has been classified as Pathogenic.

Blueprint Genetics
Classification: Likely pathogenic for HGD-related disorders. Last evaluated: 2018-10-30. Review status: criteria provided, single submitter. Criteria: ACMG Guidelines, 2015. Collection method: clinical testing. Allele origin: germline. Affected: yes. Observed: 1 variant allele.

Counsyl
Classification: Likely pathogenic for Alkaptonuria. Last evaluated: 2015-02-05. Review status: no assertion criteria provided. Collection method: literature only. Allele origin: unknown. Inheritance: Autosomal recessive inheritance. Not counted in ClinVar's aggregate classification.

Department Of Human Genetics, Institute Of Clinical And Translational Research, Biomedical Research Center, Slovak Academy Of Sciences
Classification: Pathogenic for Alkaptonuria. Review status: no assertion criteria provided. Collection method: research. Allele origin: germline. Inheritance: Autosomal recessive inheritance. Affected: yes. Observed: 29 variant alleles. Not counted in ClinVar's aggregate classification.
Comment: The variant was originally described in AKU patient in PMID:9529363. It has been submitted to the HGD gene mutation database (DB-ID: AKU_00071).

Literature cited by the submitters: PubMed 12872836 (cited by Labcorp Genetics (formerly Invitae), Labcorp and Counsyl); PubMed 11001939 (cited by Counsyl); PubMed 9529363 (cited by Counsyl and Department Of Human Genetics, Institute Of Clinical And Translational Research, Biomedical Research Center, Slovak Academy Of Sciences).